The following is an entry in ClinVar:

ClinVar aggregate classification (germline): Uncertain significance (1 of 4 stars; one submission).

Submission:

Labcorp Genetics (formerly Invitae), Labcorp
Classification: Uncertain significance. Last evaluated: 2025-07-11. Review status: criteria provided, single submitter. Criteria: Invitae Variant Classification Sherloc (09022015). Collection method: clinical testing. Allele origin: germline.
Comment: This sequence change replaces glutamine, which is neutral and polar, with glutamic acid, which is acidic and polar, at codon 155 of the DNA2 protein (p.Gln155Glu). This variant is not present in population databases (gnomAD no frequency). This variant has not been reported in the literature in individuals affected with DNA2-related conditions. Invitae Evidence Modeling of protein sequence and biophysical properties (such as structural, functional, and spatial information, amino acid conservation, physicochemical variation, residue mobility, and thermodynamic stability) indicates that this missense variant is not expected to disrupt DNA2 protein function with a negative predictive value of 80%. In summary, the available evidence is currently insufficient to determine the role of this variant in disease. Therefore, it has been classified as a Variant of Uncertain Significance.

NM_001080449.3(DNA2):c.463C>G (p.Gln155Glu)

Gene: DNA2 (DNA replication helicase/nuclease 2; minus strand). Cytogenetic location: 10q21.3.
Variant type: single nucleotide variant.
Coding change: c.463C>G on transcript NM_001080449.3 (MANE Select); coding-DNA position 463, C replaced by G.
Protein change: p.Gln155Glu; replaces glutamine 155 with glutamic acid.
Molecular consequence: missense variant. On other transcripts: non-coding transcript variant (1).
Genome position (GRCh38, 1-based): chr10:68,465,791, G>C on the plus strand (C>G on the coding strand, the complement: DNA2 is on the minus strand). VCF-style: chr10-68465791-G-C. GRCh37 (hg19) VCF-style: chr10-70225548-G-C.
Other names: short protein forms Q155E.
Identifiers: ClinVar variation 4695048 (VCV004695048.1).